The following is an entry in ClinVar:

ClinVar aggregate classification (germline): Benign/Likely benign (0 of 4 stars; one submission).

Submission:

GeneDx
Classification: Benign/Likely benign. Last evaluated: 2011-04-30. Review status: no assertion criteria provided. Collection method: clinical testing. Allele origin: not provided. Affected: yes. Observed: 4 variant alleles. Clinical features observed: Developmental delay AND/OR other significant developmental or morphological phenotypes.
Comment: Likely benign (2), Benign (2)

GRCh38/hg38 2q37.3(chr2:240976892-240979817)x3

Gene: CROCC2 (ciliary rootlet coiled-coil, rootletin family member 2; plus strand). Cytogenetic location: 2q37.3.
Variant type: copy number gain.
Change: copy number 3 (three copies instead of two) of chr2:240,976,892-240,979,817 (2.9 kb, GRCh38 coordinates, 1-based), cytogenetic band 2q37.3.
Identifiers: ClinVar variation 145792 (VCV000145792.1).